The following is an entry in ClinVar:

ClinVar aggregate classification (germline): Uncertain significance. Review status: criteria provided, multiple submitters, no conflicts (2 of 4 stars). 2 submissions from 2 submitters: Uncertain significance (2). Last evaluated 2023-04-18.

Conditions:
Short-rib thoracic dysplasia 13 with or without polydactyly (SRTD13). Identifiers: Orphanet 474, MedGen C4225378, MONDO:0014577, OMIM 616300.

Allele frequency attached by ClinVar (database versions not stated): ExAC 0.00001; gnomAD 0.00001; ESP Exome Variant Server 0.00008.
gnomAD v4.1: 49 of 1,611,888 alleles (0.003%); highest among the groups gnomAD compares: Non-Finnish European, 0.0037%; no homozygotes.

Submissions (2):

Blueprint Genetics
Classification: Uncertain significance. Last evaluated: 2023-04-18. Review status: criteria provided, single submitter. Criteria: ACMG Guidelines, 2015. Collection method: clinical testing. Allele origin: germline.

Labcorp Genetics (formerly Invitae), Labcorp
Classification: Uncertain significance for Short-rib thoracic dysplasia 13 with or without polydactyly. Last evaluated: 2022-08-22. Review status: criteria provided, single submitter. Criteria: Invitae Variant Classification Sherloc (09022015). Collection method: clinical testing. Allele origin: germline.
Comment: This sequence change replaces arginine, which is basic and polar, with cysteine, which is neutral and slightly polar, at codon 869 of the CEP120 protein (p.Arg869Cys). This variant is present in population databases (rs371666277, gnomAD 0.004%). This variant has not been reported in the literature in individuals affected with CEP120-related conditions. Algorithms developed to predict the effect of missense changes on protein structure and function (SIFT, PolyPhen-2, Align-GVGD) all suggest that this variant is likely to be disruptive. In summary, the available evidence is currently insufficient to determine the role of this variant in disease. Therefore, it has been classified as a Variant of Uncertain Significance.

NM_001375405.1(CEP120):c.2605C>T (p.Arg869Cys)

Gene: CEP120 (centrosomal protein 120; minus strand). Cytogenetic location: 5q23.2.
Variant type: single nucleotide variant.
Coding change: c.2605C>T on transcript NM_001375405.1 (MANE Select); coding-DNA position 2605, C replaced by T.
Protein change: p.Arg869Cys; replaces arginine 869 with cysteine.
Molecular consequence: missense variant. On other transcripts: non-coding transcript variant (1).
Genome position (GRCh38, 1-based): chr5:123,350,065, G>A on the plus strand (C>T on the coding strand, the complement: CEP120 is on the minus strand). VCF-style: chr5-123350065-G-A. GRCh37 (hg19) VCF-style: chr5-122685759-G-A.
Other names: c.2527C>T, p.Arg843Cys (NM_001166226.2); c.2470C>T, p.Arg824Cys (NM_001375406.1); c.2605C>T, p.Arg869Cys (NM_001375407.1, NM_153223.4); c.2032C>T, p.Arg678Cys (NM_001375408.1, NM_001375409.1); short protein forms R678C, R824C, R869C, R843C.
Identifiers: ClinVar variation 2026139 (VCV002026139.2), dbSNP rs371666277, ClinGen allele CA3386575.
Genomic context (GRCh38, chr5:123,350,065, plus strand): 5'-CCTCAGCGGCAAGGTAACGTAGTCTCATCTGTTCCAATTCTTCCTGCTGTTTTTTAAGAC[G>A]AGCCATTTGACTTTCTTGCTCCCTCTTGAAAGAAACAAAGAAACAAGTCATATCCTTAAT-3'
Protein context (NP_001362334.1, residues 859-879): KQREQESQMA[Arg869Cys]LKKQQEELEQ